The following is an entry in ClinVar:

NM_152542.5(PPM1K):c.77G>A (p.Arg26His)

Gene: PPM1K (protein phosphatase, Mg2+/Mn2+ dependent 1K; minus strand). Cytogenetic location: 4q22.1.
Variant type: single nucleotide variant.
Coding change: c.77G>A on transcript NM_152542.5 (MANE Select); coding-DNA position 77, G replaced by A.
Protein change: p.Arg26His; replaces arginine 26 with histidine.
Molecular consequence: missense variant.
Genome position (GRCh38, 1-based): chr4:88,278,507, C>T on the plus strand (G>A on the coding strand, the complement: PPM1K is on the minus strand). VCF-style: chr4-88278507-C-T. GRCh37 (hg19) VCF-style: chr4-89199659-C-T.
Other names: short protein forms R26H.
Identifiers: ClinVar variation 1046955 (VCV001046955.8), dbSNP rs369916009, ClinGen allele CA3005367.
Genomic context (GRCh38, chr4:88,278,507, plus strand): 5'-CTAGGCTCTGAAGTGGAGCTGTGGCACGTGGGTGTCACCCGCCTGTCGTCCTGCAGCAGG[C>T]GGGAGCTTAGCAGCACTCTCCTTCTCACCTGGTTCCCACCACTTCTGACCAAAGTAATTA-3'
Protein context (NP_689755.3, residues 16-36): QVRRRVLLSS[Arg26His]LLQDDRRVTP

ClinVar aggregate classification (germline): Uncertain significance (1 of 4 stars; one submission).

Conditions:
Maple syrup urine disease, mild variant (MSUDMV). Identifiers: Orphanet 511, MedGen C3554575, MONDO:0014057, OMIM 615135.

Allele frequency attached by ClinVar (database versions not stated): gnomAD 0.00003 and 0.00004; TOPMed 0.00005; ExAC 0.00006; ESP Exome Variant Server 0.00015.
gnomAD v4.1: 58 of 1,614,010 alleles (0.0036%); highest among the groups gnomAD compares: East Asian, 0.0089%; no homozygotes.

Submission:

Labcorp Genetics (formerly Invitae), Labcorp
Classification: Uncertain significance for Maple syrup urine disease, mild variant. Last evaluated: 2024-03-13. Review status: criteria provided, single submitter. Criteria: Invitae Variant Classification Sherloc (09022015). Collection method: clinical testing. Allele origin: germline.
Comment: This sequence change replaces arginine, which is basic and polar, with histidine, which is basic and polar, at codon 26 of the PPM1K protein (p.Arg26His). This variant is present in population databases (rs369916009, gnomAD 0.01%). This variant has not been reported in the literature in individuals affected with PPM1K-related conditions. ClinVar contains an entry for this variant (Variation ID: 1046955). An algorithm developed to predict the effect of missense changes on protein structure and function (PolyPhen-2) suggests that this variant is likely to be tolerated. In summary, the available evidence is currently insufficient to determine the role of this variant in disease. Therefore, it has been classified as a Variant of Uncertain Significance.